The following is an entry in ClinVar:

ClinVar aggregate classification (germline): Pathogenic (1 of 4 stars; one submission).

Conditions:
Severe combined immunodeficiency due to DCLRE1C deficiency (RS-SCID). Also called: SCID, AUTOSOMAL RECESSIVE, T CELL-NEGATIVE, B CELL-NEGATIVE, NK CELL-POSITIVE, WITH SENSITIVITY TO IONIZING RADIATION. Identifiers: Orphanet 275, MedGen C1865371, MONDO:0011225, OMIM 602450.

Submission:

Labcorp Genetics (formerly Invitae), Labcorp
Classification: Pathogenic for Athabaskan severe combined immunodeficiency. Last evaluated: 2024-07-12. Review status: criteria provided, single submitter. Criteria: Invitae Variant Classification Sherloc (09022015). Collection method: clinical testing. Allele origin: germline.
Comment: This sequence change affects a donor splice site in intron 5 of the DCLRE1C gene. It is expected to disrupt RNA splicing. Variants that disrupt the donor or acceptor splice site typically lead to a loss of protein function (PMID: 16199547), and loss-of-function variants in DCLRE1C are known to be pathogenic (PMID: 21664875, 26123418). This variant is not present in population databases (gnomAD no frequency). Disruption of this splice site has been observed in individual(s) with severe combined immunodeficiency (PMID: 25981738). Algorithms developed to predict the effect of sequence changes on RNA splicing suggest that this variant may disrupt the consensus splice site. For these reasons, this variant has been classified as Pathogenic.

Literature cited by the submitters: PubMed 16199547; PubMed 21664875; PubMed 26123418; PubMed 25981738.

NM_001033855.3(DCLRE1C):c.362+2T>C

Gene: DCLRE1C (DNA cross-link repair 1C; minus strand). Cytogenetic location: 10p13.
Variant type: single nucleotide variant.
Coding change: c.362+2T>C on transcript NM_001033855.3 (MANE Select); the canonical splice donor site of the intron after coding-DNA position 362, T replaced by C.
Molecular consequence: splice donor variant. On other transcripts: intron variant (4).
Genome position (GRCh38, 1-based): chr10:14,936,536, A>G on the plus strand (T>C on the coding strand, the complement: DCLRE1C is on the minus strand). VCF-style: chr10-14936536-A-G. GRCh37 (hg19) VCF-style: chr10-14978535-A-G.
Other names: c.18-972T>C (NM_001350966.2, NM_001289078.2, NM_001289076.2 and 1 more transcripts); c.362+2T>C (NM_001350965.2); c.2+2T>C (NM_001350967.2, NM_001289077.2, NM_001289079.2 and 2 more transcripts).
Identifiers: ClinVar variation 3659299 (VCV003659299.2).